The following is an entry in ClinVar:

ClinVar aggregate classification (germline): Uncertain significance (1 of 4 stars; one submission).

Conditions:
Juvenile polyposis syndrome (JPS). Identifiers: Orphanet 2929, MedGen C0345893, MONDO:0017380, OMIM 174900.

Submission:

Labcorp Genetics (formerly Invitae), Labcorp
Classification: Uncertain significance for Juvenile polyposis syndrome. Last evaluated: 2020-12-02. Review status: criteria provided, single submitter. Criteria: Invitae Variant Classification Sherloc (09022015). Collection method: clinical testing. Allele origin: germline.
Comment: In summary, the available evidence is currently insufficient to determine the role of this variant in disease. Therefore, it has been classified as a Variant of Uncertain Significance. Advanced modeling of protein sequence and biophysical properties (such as structural, functional, and spatial information, amino acid conservation, physicochemical variation, residue mobility, and thermodynamic stability) performed at Invitae indicates that this missense variant is not expected to disrupt BMPR1A protein function. This variant has not been reported in the literature in individuals with BMPR1A-related conditions. This variant is not present in population databases (ExAC no frequency). This sequence change replaces serine with proline at codon 44 of the BMPR1A protein (p.Ser44Pro). The serine residue is weakly conserved and there is a moderate physicochemical difference between serine and proline.

NM_004329.3(BMPR1A):c.130T>C (p.Ser44Pro)

Gene: BMPR1A (bone morphogenetic protein receptor type 1A; plus strand). Cytogenetic location: 10q23.2.
Variant type: single nucleotide variant.
Coding change: c.130T>C on transcript NM_004329.3 (MANE Select); coding-DNA position 130, T replaced by C.
Protein change: p.Ser44Pro; replaces serine 44 with proline.
Molecular consequence: missense variant.
Genome position (GRCh38, 1-based): chr10:86,890,124, T>C. VCF-style: chr10-86890124-T-C. GRCh37 (hg19) VCF-style: chr10-88649881-T-C.
Other names: short protein forms S44P.
Identifiers: ClinVar variation 1490093 (VCV001490093.8), dbSNP rs2133395138, ClinGen allele CA377446575.